The following is an entry in ClinVar:

NM_003482.4(KMT2D):c.3068A>G (p.Gln1023Arg)

Gene: KMT2D (lysine methyltransferase 2D; minus strand). Cytogenetic location: 12q13.12.
Variant type: single nucleotide variant.
Coding change: c.3068A>G on transcript NM_003482.4 (MANE Select); coding-DNA position 3068, A replaced by G.
Protein change: p.Gln1023Arg; replaces glutamine 1023 with arginine.
Molecular consequence: missense variant.
Genome position (GRCh38, 1-based): chr12:49,050,520, T>C on the plus strand (A>G on the coding strand, the complement: KMT2D is on the minus strand). VCF-style: chr12-49050520-T-C. GRCh37 (hg19) VCF-style: chr12-49444303-T-C.
Other names: short protein forms Q1023R.
Identifiers: ClinVar variation 2961341 (VCV002961341.3), dbSNP rs376082557, ClinGen allele CA236618215.
Genomic context (GRCh38, chr12:49,050,520, plus strand): 5'-GAGCACTGGGAAGGAGGGGAGTTTTGGGGAACCAGGGAATGCTGAAGGAGTGGCGAACAC[T>C]GAGGAGGAAGGGGCTCCATCAGGATGGGAGAAGCCGGCCCCACTGGGGAGCCTGGAGATG-3'
Protein context (NP_003473.3, residues 1013-1033): SPILMEPLPP[Gln1023Arg]CSPLLQHSLV

ClinVar aggregate classification (germline): Uncertain significance. Review status: criteria provided, multiple submitters, no conflicts (2 of 4 stars). 2 submissions from 2 submitters: Uncertain significance (2). Last evaluated 2024-10-14.

Conditions:
Kabuki syndrome. Also called: NIIKAWA-KUROKI SYNDROME; Kabuki make-up syndrome. Identifiers: Orphanet 2322, MedGen C0796004, MONDO:0016512.

Allele frequency attached by ClinVar (database versions not stated): TOPMed 0.00001; ESP Exome Variant Server 0.00008.
gnomAD v4.1: 1 of 1,609,722 alleles (0.000062%); no homozygotes.

Submissions (2):

GeneDx
Classification: Uncertain significance. Last evaluated: 2024-10-14. Review status: criteria provided, single submitter. Criteria: GeneDx Variant Classification Process June 2021. Collection method: clinical testing. Allele origin: germline. Affected: yes.
Comment: Not observed at significant frequency in large population cohorts (gnomAD); In silico analysis indicates that this missense variant does not alter protein structure/function; Has not been previously published as pathogenic or benign to our knowledge

Labcorp Genetics (formerly Invitae), Labcorp
Classification: Uncertain significance for Kabuki syndrome. Last evaluated: 2023-09-19. Review status: criteria provided, single submitter. Criteria: Invitae Variant Classification Sherloc (09022015). Collection method: clinical testing. Allele origin: germline.
Comment: Advanced modeling of protein sequence and biophysical properties (such as structural, functional, and spatial information, amino acid conservation, physicochemical variation, residue mobility, and thermodynamic stability) performed at Invitae indicates that this missense variant is not expected to disrupt KMT2D protein function. In summary, the available evidence is currently insufficient to determine the role of this variant in disease. Therefore, it has been classified as a Variant of Uncertain Significance. This variant has not been reported in the literature in individuals affected with KMT2D-related conditions. This variant is not present in population databases (gnomAD no frequency). This sequence change replaces glutamine, which is neutral and polar, with arginine, which is basic and polar, at codon 1023 of the KMT2D protein (p.Gln1023Arg).